The following is an entry in ClinVar:

NM_003622.4(PPFIBP1):c.2612A>C (p.Glu871Ala)

Gene: PPFIBP1 (PPFIB scaffold protein 1; plus strand). Cytogenetic location: 12p11.22.
Variant type: single nucleotide variant.
Coding change: c.2612A>C on transcript NM_003622.4 (MANE Select); coding-DNA position 2612, A replaced by C.
Protein change: p.Glu871Ala; replaces glutamic acid 871 with alanine.
Molecular consequence: missense variant.
Genome position (GRCh38, 1-based): chr12:27,689,130, A>C. VCF-style: chr12-27689130-A-C. GRCh37 (hg19) VCF-style: chr12-27842063-A-C.
Other names: c.2171A>C, p.Glu724Ala (NM_001198915.2); c.2537A>C, p.Glu846Ala (NM_001198916.2); c.2630A>C, p.Glu877Ala (NM_177444.3); short protein forms E724A, E846A, E871A, E877A.
Identifiers: ClinVar variation 3234288 (VCV003234288.20), dbSNP rs147160498, ClinGen allele CA6493830.
Genomic context (GRCh38, chr12:27,689,130, plus strand): 5'-CCAATAAGACTTTGCTGCGAAGACATTTGGCCACTCATTTCAACCTTCTGATTGGGGCTG[A>C]GGCACAGCACCAGAAGCGAGATGCCATGGAGCTGCCGGATTATGTACTTCTAACAGCTAC-3'
Protein context (NP_003613.4, residues 861-881): ATHFNLLIGA[Glu871Ala]AQHQKRDAME

ClinVar aggregate classification (germline): Benign (1 of 4 stars; one submission).

Allele frequency attached by ClinVar (database versions not stated): gnomAD exomes 0.00035; ExAC 0.00111; gnomAD 0.00389; TOPMed 0.00398; ESP Exome Variant Server 0.00431; 1000 Genomes Project 0.00439; 1000 Genomes Project 30x 0.00453.
gnomAD v4.1: 1,118 of 1,603,626 alleles (0.07%); highest among the groups gnomAD compares: African/African-American, 1.3%; 12 homozygotes.

Submission:

CeGaT Center for Human Genetics Tuebingen
Classification: Benign. Last evaluated: 2024-04-01. Review status: criteria provided, single submitter. Criteria: CeGaT Center For Human Genetics Tuebingen Variant Classification Criteria Version 2. Collection method: clinical testing. Allele origin: germline. Affected: yes. Observed: 1 variant allele.
Comment: PPFIBP1: BS1, BS2